The following is an entry in ClinVar:

ClinVar aggregate classification (germline): Uncertain significance (1 of 4 stars; one submission).

Conditions:
Joubert syndrome. Also called: Familial aplasia of the vermis; JOUBERT-BOLTSHAUSER SYNDROME; CEREBELLOPARENCHYMAL DISORDER IV. Identifiers: Orphanet 475, MedGen C5979921, MONDO:0018772.

gnomAD v4.1: 1 of 1,580,206 alleles (0.000063%); highest among the groups gnomAD compares: South Asian, 0.0011%; no homozygotes.

Submission:

Labcorp Genetics (formerly Invitae), Labcorp
Classification: Uncertain significance for Joubert syndrome. Last evaluated: 2025-12-15. Review status: criteria provided, single submitter. Criteria: Invitae Variant Classification Sherloc (09022015). Collection method: clinical testing. Allele origin: germline.
Comment: This sequence change replaces arginine, which is basic and polar, with lysine, which is basic and polar, at codon 92 of the INPP5E protein (p.Arg92Lys). This variant is not present in population databases (gnomAD no frequency). This variant has not been reported in the literature in individuals affected with INPP5E-related conditions. Invitae Evidence Modeling of protein sequence and biophysical properties (such as structural, functional, and spatial information, amino acid conservation, physicochemical variation, residue mobility, and thermodynamic stability) indicates that this missense variant is not expected to disrupt INPP5E protein function with a negative predictive value of 95%. In summary, the available evidence is currently insufficient to determine the role of this variant in disease. Therefore, it has been classified as a Variant of Uncertain Significance.

NM_019892.6(INPP5E):c.275G>A (p.Arg92Lys)

Gene: INPP5E (inositol polyphosphate-5-phosphatase E; minus strand). Cytogenetic location: 9q34.3.
Variant type: single nucleotide variant.
Coding change: c.275G>A on transcript NM_019892.6 (MANE Select); coding-DNA position 275, G replaced by A.
Protein change: p.Arg92Lys; replaces arginine 92 with lysine.
Molecular consequence: missense variant.
Genome position (GRCh38, 1-based): chr9:136,439,145, C>T on the plus strand (G>A on the coding strand, the complement: INPP5E is on the minus strand). VCF-style: chr9-136439145-C-T. GRCh37 (hg19) VCF-style: chr9-139333597-C-T.
Other names: c.275G>A, p.Arg92Lys (NM_001318502.2); short protein forms R92K.
Identifiers: ClinVar variation 4801888 (VCV004801888.1).